The following is an entry in ClinVar:

NM_213599.3(ANO5):c.833C>T (p.Ala278Val)

Gene: ANO5 (anoctamin 5; plus strand). Cytogenetic location: 11p14.3.
Variant type: single nucleotide variant.
Coding change: c.833C>T on transcript NM_213599.3 (MANE Select); coding-DNA position 833, C replaced by T.
Protein change: p.Ala278Val; replaces alanine 278 with valine.
Molecular consequence: missense variant.
Genome position (GRCh38, 1-based): chr11:22,239,639, C>T. VCF-style: chr11-22239639-C-T. GRCh37 (hg19) VCF-style: chr11-22261185-C-T.
Other names: c.830C>T, p.Ala277Val (NM_001142649.2); short protein forms A277V, A278V.
Identifiers: ClinVar variation 956005 (VCV000956005.11), dbSNP rs1853359096, ClinGen allele CA379920520.

ClinVar aggregate classification (germline): Uncertain significance. Review status: criteria provided, multiple submitters, no conflicts (2 of 4 stars). 2 submissions from 2 submitters: Uncertain significance (2). Last evaluated 2022-12-28.

Conditions:
Gnathodiaphyseal dysplasia (GDD). Also called: GNATHODIAPHYSEAL SCLEROSIS; OSTEOGENESIS IMPERFECTA WITH UNUSUAL SKELETAL LESIONS. Identifiers: Orphanet 53697, MedGen C1833736, MONDO:0008151, OMIM 166260.
Autosomal recessive limb-girdle muscular dystrophy type 2L (LGMDR12). Also called: Limb-Girdle Muscular Dystrophy R12 Anoctamin-5-Related (LGMD-R12); Limb-girdle muscular dystrophy, type 2L; MUSCULAR DYSTROPHY, LIMB-GIRDLE, AUTOSOMAL RECESSIVE 12. Identifiers: Orphanet 206549, MedGen C1969785, MONDO:0012652, OMIM 611307.

Allele frequency attached by ClinVar (database versions not stated): gnomAD exomes below 0.00001.
gnomAD v4.1: 1 of 1,612,748 alleles (0.000062%); highest among the groups gnomAD compares: Non-Finnish European, 0.000085%; no homozygotes.

Submissions (2):

Blueprint Genetics
Classification: Uncertain significance. Last evaluated: 2022-12-28. Review status: criteria provided, single submitter. Criteria: ACMG Guidelines, 2015. Collection method: clinical testing. Allele origin: germline.

Labcorp Genetics (formerly Invitae), Labcorp
Classification: Uncertain significance for Autosomal recessive limb-girdle muscular dystrophy type 2L; Gnathodiaphyseal dysplasia. Last evaluated: 2019-08-07. Review status: criteria provided, single submitter. Criteria: Invitae Variant Classification Sherloc (09022015). Collection method: clinical testing. Allele origin: germline.
Comment: In summary, the available evidence is currently insufficient to determine the role of this variant in disease. Therefore, it has been classified as a Variant of Uncertain Significance. Algorithms developed to predict the effect of missense changes on protein structure and function are either unavailable or do not agree on the potential impact of this missense change (SIFT: "Tolerated"; PolyPhen-2: "Probably Damaging"; Align-GVGD: "Class C0"). This variant has not been reported in the literature in individuals with ANO5-related conditions. This variant is not present in population databases (ExAC no frequency). This sequence change replaces alanine with valine at codon 278 of the ANO5 protein (p.Ala278Val). The alanine residue is highly conserved and there is a small physicochemical difference between alanine and valine.